The following is an entry in ClinVar:

ClinVar aggregate classification (germline): Uncertain significance (1 of 4 stars; one submission).

Conditions:
Glycogen storage disease type III (GSD3). Also called: Cori disease; FORBES DISEASE. Identifiers: Orphanet 366, MedGen C0017922, MONDO:0009291, OMIM 232400.

Allele frequency attached by ClinVar (database versions not stated): gnomAD exomes 0.00001.
gnomAD v4.1: 3 of 1,614,038 alleles (0.00019%); highest among the groups gnomAD compares: South Asian, 0.0022%; no homozygotes.

Submission:

Labcorp Genetics (formerly Invitae), Labcorp
Classification: Uncertain significance for Glycogen storage disease type III. Last evaluated: 2022-04-19. Review status: criteria provided, single submitter. Criteria: Invitae Variant Classification Sherloc (09022015). Collection method: clinical testing. Allele origin: germline.
Comment: In summary, the available evidence is currently insufficient to determine the role of this variant in disease. Therefore, it has been classified as a Variant of Uncertain Significance. Algorithms developed to predict the effect of missense changes on protein structure and function are either unavailable or do not agree on the potential impact of this missense change (SIFT: "Tolerated"; PolyPhen-2: "Possibly Damaging"; Align-GVGD: "Class C0"). This variant has not been reported in the literature in individuals affected with AGL-related conditions. This variant is present in population databases (no rsID available, gnomAD 0.01%). This sequence change replaces serine, which is neutral and polar, with asparagine, which is neutral and polar, at codon 1290 of the AGL protein (p.Ser1290Asn).

NM_000642.3(AGL):c.3869G>A (p.Ser1290Asn)

Gene: AGL (amylo-alpha-1,6-glucosidase and 4-alpha-glucanotransferase; plus strand). Cytogenetic location: 1p21.2.
Variant type: single nucleotide variant.
Coding change: c.3869G>A on transcript NM_000642.3 (MANE Select); coding-DNA position 3869, G replaced by A.
Protein change: p.Ser1290Asn; replaces serine 1290 with asparagine.
Molecular consequence: missense variant.
Genome position (GRCh38, 1-based): chr1:99,912,437, G>A. VCF-style: chr1-99912437-G-A. GRCh37 (hg19) VCF-style: chr1-100377993-G-A.
Other names: c.3869G>A, p.Ser1290Asn (NM_000028.3, NM_000643.3, NM_000644.3 and 1 more transcripts); c.3821G>A, p.Ser1274Asn (NM_000646.3); c.3848G>A, p.Ser1283Asn (NM_001425326.1); c.3668G>A, p.Ser1223Asn (NM_001425327.1); c.3665G>A, p.Ser1222Asn (NM_001425328.1); c.3530G>A, p.Ser1177Asn (NM_001425329.1); c.3491G>A, p.Ser1164Asn (NM_001425332.1); short protein forms S1290N, S1274N, S1164N, S1177N, S1222N, S1223N, S1283N.
Identifiers: ClinVar variation 2124237 (VCV002124237.4), dbSNP rs1448952774, ClinGen allele CA341338741.